The following is an entry in ClinVar:

NM_013275.6(ANKRD11):c.2375AGA[1] (p.Lys793del)

Gene: ANKRD11 (ankyrin repeat domain 11; minus strand). Cytogenetic location: 16q24.3.
Variant type: Microsatellite.
Coding change: c.2375AGA[1] on transcript NM_013275.6 (MANE Select); one copy of the 3-base unit AGA starting at c.2375; the reference has two copies in a row; one copy, 3 bases deleted.
Protein change: p.Lys793del; deletes lysine 793.
Molecular consequence: inframe deletion.
Genome position (GRCh38, 1-based): chr16:89,284,162-89,284,164, TCT deleted on the plus strand (AGA on the coding strand, the reverse complement: ANKRD11 is on the minus strand); deleting any 3 consecutive bases within chr16:89,284,162-89,284,167 gives the same sequence; the position shown is the placement nearest the transcript's 3' end. VCF-style (leftmost placement, unchanged base first): chr16-89284161-ATCT-A. GRCh37 (hg19) VCF-style: chr16-89350569-ATCT-A.
Other names: c.2375AGA[1], p.Lys793del (NM_001256182.2, NM_001256183.2); short protein forms K793del.
Identifiers: ClinVar variation 1953660 (VCV001953660.5), dbSNP rs2544241450, ClinGen allele CA2573334951.

ClinVar aggregate classification (germline): Uncertain significance (1 of 4 stars; one submission).

Conditions:
KBG syndrome (KBGS). Also called: ANKRD11-Related KBG Syndrome. Identifiers: Orphanet 2332, MedGen C0220687, MONDO:0007846, OMIM 148050.

Submission:

Labcorp Genetics (formerly Invitae), Labcorp
Classification: Uncertain significance for KBG syndrome. Last evaluated: 2022-05-12. Review status: criteria provided, single submitter. Criteria: Invitae Variant Classification Sherloc (09022015). Collection method: clinical testing. Allele origin: germline.
Comment: This variant, c.2378_2380del, results in the deletion of 1 amino acid(s) of the ANKRD11 protein (p.Lys793del), but otherwise preserves the integrity of the reading frame. This variant is not present in population databases (gnomAD no frequency). This variant has not been reported in the literature in individuals affected with ANKRD11-related conditions. Experimental studies and prediction algorithms are not available or were not evaluated, and the functional significance of this variant is currently unknown. In summary, the available evidence is currently insufficient to determine the role of this variant in disease. Therefore, it has been classified as a Variant of Uncertain Significance.